The following is an entry in ClinVar:

ClinVar aggregate classification (germline): Likely benign. Review status: criteria provided, multiple submitters, no conflicts (2 of 4 stars). 2 submissions from 2 submitters: Likely benign (2). Last evaluated 2017-04-27.

Conditions:
Hydatidiform mole, recurrent, 1 (HYDM1). Identifiers: Orphanet 254688, Orphanet 99927, MedGen C3463897, MONDO:0009273, OMIM 231090. Disease mechanism: loss of function.

Allele frequency attached by ClinVar (database versions not stated): 1000 Genomes Project 30x 0.00484; 1000 Genomes Project 0.00519; TOPMed 0.00880; ESP Exome Variant Server 0.01069; gnomAD 0.01283 and 0.01325; ExAC 0.01346.
gnomAD v4.1: 22,989 of 1,613,830 alleles (1.4%); highest among the groups gnomAD compares: Non-Finnish European, 1.6%; 260 homozygotes.

Submissions (2):

Illumina Laboratory Services, Illumina
Classification: Likely benign for Hydatidiform mole, recurrent, 1. Last evaluated: 2017-04-27. Review status: criteria provided, single submitter. Criteria: ICSL Variant Classification Criteria 13 December 2019. Collection method: clinical testing. Allele origin: germline.
Comment: This variant was observed as part of a predisposition screen in an ostensibly healthy population. A literature search was performed for the gene, cDNA change, and amino acid change (where applicable). Publications were found based on this search. The evidence from the literature, in combination with allele frequency data from public databases where available, was sufficient to determine this variant is unlikely to cause disease. Therefore, this variant is classified as likely benign.

Breakthrough Genomics
Classification: Likely benign. Review status: criteria provided, single submitter. Criteria: ACMG Guidelines, 2015. Collection method: not provided. Allele origin: germline. Inheritance: Autosomal recessive inheritance. Affected: yes.

Literature cited by the submitters: PubMed 25376457 (cited by Illumina Laboratory Services, Illumina); PubMed 24533231 (cited by Illumina Laboratory Services, Illumina); PubMed 23963444 (cited by Illumina Laboratory Services, Illumina); PubMed 23515668 (cited by Illumina Laboratory Services, Illumina); PubMed 22025618 (cited by Illumina Laboratory Services, Illumina); PubMed 21659348 (cited by Illumina Laboratory Services, Illumina).

NM_001127255.2(NLRP7):c.929A>G (p.Gln310Arg)

Gene: NLRP7 (NLR family pyrin domain containing 7; minus strand). Cytogenetic location: 19q13.42.
Variant type: single nucleotide variant.
Coding change: c.929A>G on transcript NM_001127255.2 (MANE Select); coding-DNA position 929, A replaced by G.
Protein change: p.Gln310Arg; replaces glutamine 310 with arginine.
Molecular consequence: missense variant.
Genome position (GRCh38, 1-based): chr19:54,939,890, T>C on the plus strand (A>G on the coding strand, the complement: NLRP7 is on the minus strand). VCF-style: chr19-54939890-T-C. GRCh37 (hg19) VCF-style: chr19-55451258-T-C.
Other names: c.929A>G, p.Gln310Arg (NM_001405531.1, NM_139176.4, NM_206828.4); short protein forms Q310R.
Identifiers: ClinVar variation 893638 (VCV000893638.7), dbSNP rs77812009, ClinGen allele CA310018923.